The following is an entry in ClinVar:

ClinVar aggregate classification (germline): Benign/Likely benign. Review status: criteria provided, multiple submitters, no conflicts (2 of 4 stars). 4 submissions from 4 submitters: Benign (1); Likely benign (3). Last evaluated 2026-07-01.

Conditions:
Neurodevelopmental disorder with or without hyperkinetic movements and seizures, autosomal dominant. Also called: Intellectual disability, autosomal dominant 8. Identifiers: MedGen C3280282, MONDO:0013655, OMIM 614254.

Allele frequency attached by ClinVar (database versions not stated): TOPMed 0.00002; ESP Exome Variant Server 0.00008; 1000 Genomes Project 30x 0.00016; 1000 Genomes Project 0.00020; gnomAD exomes 0.00024; ExAC 0.00029; gnomAD 0.00001 and 0.00002.
gnomAD v4.1: 157 of 1,612,880 alleles (0.0097%); highest among the groups gnomAD compares: South Asian, 0.14%; no homozygotes.

Submissions (4):

CeGaT Center for Human Genetics Tuebingen
Classification: Likely benign. Last evaluated: 2026-07-01. Review status: criteria provided, single submitter. Criteria: CeGaT Center For Human Genetics Tuebingen Variant Classification Criteria Version 2. Collection method: clinical testing. Allele origin: germline. Affected: yes. Observed: 2 variant alleles.
Comment: GRIN1: BP4, BP7

Labcorp Genetics (formerly Invitae), Labcorp
Classification: Benign for Neurodevelopmental disorder with or without hyperkinetic movements and seizures, autosomal dominant. Last evaluated: 2025-07-21. Review status: criteria provided, single submitter. Criteria: Invitae Variant Classification Sherloc (09022015). Collection method: clinical testing. Allele origin: germline.

Blueprint Genetics
Classification: Likely benign. Last evaluated: 2024-10-23. Review status: criteria provided, single submitter. Criteria: ACMG Guidelines, 2015. Collection method: clinical testing. Allele origin: germline.

GeneDx
Classification: Likely benign. Last evaluated: 2019-12-27. Review status: criteria provided, single submitter. Criteria: GeneDx Variant Classification Process June 2021. Collection method: clinical testing. Allele origin: germline. Affected: yes.

NM_007327.4(GRIN1):c.1149C>T (p.Gly383=)

Gene: GRIN1 (glutamate ionotropic receptor NMDA type subunit 1; plus strand). Cytogenetic location: 9q34.3.
Variant type: single nucleotide variant.
Coding change: c.1149C>T on transcript NM_007327.4 (MANE Select); coding-DNA position 1149, C replaced by T.
Protein change: p.Gly383=; no amino-acid change (glycine 383 retained).
Molecular consequence: synonymous variant.
Genome position (GRCh38, 1-based): chr9:137,158,656, C>T. VCF-style: chr9-137158656-C-T. GRCh37 (hg19) VCF-style: chr9-140053108-C-T.
Other names: c.1149C>T, p.Gly383= (NM_000832.7, NM_021569.4); c.1212C>T, p.Gly404= (NM_001185090.2, NM_001185091.2).
Identifiers: ClinVar variation 701884 (VCV000701884.38), dbSNP rs138398771, ClinGen allele CA5360844.